The following is an entry in ClinVar:

NM_001083961.2(WDR62):c.3225C>T (p.Leu1075=)

Gene: WDR62 (WD repeat domain 62; plus strand). Cytogenetic location: 19q13.12.
Variant type: single nucleotide variant.
Coding change: c.3225C>T on transcript NM_001083961.2 (MANE Select); coding-DNA position 3225, C replaced by T.
Protein change: p.Leu1075=; no amino-acid change (leucine 1075 retained).
Molecular consequence: synonymous variant. On other transcripts: intron variant (1).
Genome position (GRCh38, 1-based): chr19:36,102,741, C>T. VCF-style: chr19-36102741-C-T. GRCh37 (hg19) VCF-style: chr19-36593643-C-T.
Other names: c.3210C>T, p.Leu1070= (NM_001411145.1); c.2976C>T, p.Leu992= (NM_001411146.1); c.2874C>T, p.Leu958= (NM_001411147.1); c.3221-11C>T (NM_173636.5).
Identifiers: ClinVar variation 4085865 (VCV004085865.8).

ClinVar aggregate classification (germline): Likely benign (1 of 4 stars; one submission).

gnomAD v4.1: 2 of 1,613,918 alleles (0.00012%); highest among the groups gnomAD compares: East Asian, 0.0022%; no homozygotes.

Submission:

CeGaT Center for Human Genetics Tuebingen
Classification: Likely benign. Last evaluated: 2025-08-01. Review status: criteria provided, single submitter. Criteria: CeGaT Center For Human Genetics Tuebingen Variant Classification Criteria Version 2. Collection method: clinical testing. Allele origin: germline. Affected: yes. Observed: 1 variant allele.
Comment: WDR62: BP4, BP7